The following is an entry in ClinVar:

NM_017950.4(CCDC40):c.507G>A (p.Ser169=)

Gene: CCDC40 (coiled-coil domain 40 molecular ruler complex subunit; plus strand). Cytogenetic location: 17q25.3.
Variant type: single nucleotide variant.
Coding change: c.507G>A on transcript NM_017950.4 (MANE Select); coding-DNA position 507, G replaced by A.
Protein change: p.Ser169=; no amino-acid change (serine 169 retained).
Molecular consequence: synonymous variant.
Genome position (GRCh38, 1-based): chr17:80,040,225, G>A. VCF-style: chr17-80040225-G-A. GRCh37 (hg19) VCF-style: chr17-78014024-G-A.
Other names: p.Ser169=; c.507G>A, p.Ser169= (NM_001243342.2, NM_001330508.2).
Identifiers: ClinVar variation 162845 (VCV000162845.34), dbSNP rs2885349, ClinGen allele CA175425.
Genomic context (GRCh38, chr17:80,040,225, plus strand): 5'-AGAATCCAGAGAAAGGAGGGTCACCTCCCCAGAGCCATCCCACGGAGTCTTAGGCCCGTC[G>A]GAGCAAATGGGCCAGGTCACCTCTGGGCCAGCAGTGGGCAGATTGGTGAGTAGCCCTGAC-3'
Protein context (NP_060420.2, residues 159-179): PEPSHGVLGP[Ser169=]EQMGQVTSGP

ClinVar aggregate classification (germline): Benign. Review status: criteria provided, multiple submitters, no conflicts (2 of 4 stars). 8 submissions from 8 submitters: Benign (8). Last evaluated 2026-02-01.

Conditions:
Primary ciliary dyskinesia. Also called: Ciliary dyskinesia. Identifiers: Orphanet 244, MedGen C0008780, MONDO:0016575, HP:0012265.
Primary ciliary dyskinesia 15. Also called: CILIARY DYSKINESIA, PRIMARY, 15, WITH OR WITHOUT SITUS INVERSUS. Identifiers: Orphanet 244, MedGen C3151137, MONDO:0013435, OMIM 613808.

Allele frequency attached by ClinVar (database versions not stated): gnomAD exomes 0.00787 and 0.01873; ExAC 0.02260; gnomAD 0.05093 and 0.05290; ESP Exome Variant Server 0.05113; TOPMed 0.05578; 1000 Genomes Project 0.06310; 1000 Genomes Project 30x 0.06668.
gnomAD v4.1: 19,727 of 1,613,862 alleles (1.2%); highest among the groups gnomAD compares: African/African-American, 17%; 1,261 homozygotes.

Submissions (8):

Labcorp Genetics (formerly Invitae), Labcorp
Classification: Benign for Primary ciliary dyskinesia. Last evaluated: 2026-02-01. Review status: criteria provided, single submitter. Criteria: Invitae Variant Classification Sherloc (09022015). Collection method: clinical testing. Allele origin: germline.

Mayo Clinic Laboratories, Mayo Clinic
Classification: Benign. Last evaluated: 2023-03-17. Review status: criteria provided, single submitter. Criteria: ACMG Guidelines, 2015. Collection method: clinical testing. Allele origin: germline. Observed: 6 variant alleles.

GeneDx
Classification: Benign. Last evaluated: 2018-07-05. Review status: criteria provided, single submitter. Criteria: GeneDx Variant Classification Process June 2021. Collection method: clinical testing. Allele origin: germline. Affected: yes.

Illumina Laboratory Services, Illumina
Classification: Benign for Primary ciliary dyskinesia 15. Last evaluated: 2018-01-12. Review status: criteria provided, single submitter. Criteria: ICSL Variant Classification Criteria 13 December 2019. Collection method: clinical testing. Allele origin: germline.
Comment: This variant was observed in the ICSL laboratory as part of a predisposition screen in an ostensibly healthy population. It had not been previously curated by ICSL or reported in the Human Gene Mutation Database (HGMD: prior to June 1st, 2018), and was therefore a candidate for classification through an automated scoring system. Utilizing variant allele frequency, disease prevalence and penetrance estimates, and inheritance mode, an automated score was calculated to assess if this variant is too frequent to cause the disease. Based on the score and internal cut-off values, a variant classified as benign is not then subjected to further curation. The score for this variant resulted in a classification of benign for this disease.

Ambry Genetics
Classification: Benign for Primary ciliary dyskinesia. Last evaluated: 2016-09-30. Review status: criteria provided, single submitter. Criteria: Ambry Variant Classification Scheme 2023. Collection method: clinical testing. Allele origin: germline.

Laboratory for Molecular Medicine, Mass General Brigham Personalized Medicine
Classification: Benign. Last evaluated: 2013-02-21. Review status: criteria provided, single submitter. Criteria: LMM Criteria. Collection method: clinical testing. Allele origin: germline. Observed: 6 variant alleles.
Comment: Ser169Ser in exon 3 of CCDC40: This variant is not expected to have clinical sig nificance because it does not alter an amino acid residue and is not located wit hin the splice consensus sequence. It has been identified in 15.5% (614/3952) of African American chromosomes from a broad population by the NHLBI Exome Sequenc ing Project (dbSNP rs2885349).

Breakthrough Genomics
Classification: Benign. Review status: criteria provided, single submitter. Criteria: ACMG Guidelines, 2015. Collection method: not provided. Allele origin: germline. Inheritance: Autosomal recessive inheritance. Affected: yes.

PreventionGenetics, part of Exact Sciences
Classification: Benign. Review status: criteria provided, single submitter. Criteria: ACMG Guidelines, 2015. Collection method: clinical testing. Allele origin: germline.